The following is an entry in ClinVar:

ClinVar aggregate classification (germline): Uncertain significance. Review status: criteria provided, multiple submitters, no conflicts (2 of 4 stars). 4 submissions from 4 submitters: Uncertain significance (4). Last evaluated 2025-07-31.

Conditions:
Inborn genetic diseases. Identifiers: MedGen C0950123, MeSH D030342.
Pyruvate dehydrogenase E3-binding protein deficiency (PDHXD). Also called: Lacticacidemia due to PDX1 deficiency; LACTIC ACIDEMIA DUE TO DEFECT IN LIPOYL-CONTAINING COMPONENT X OF THE PYRUVATE DEHYDROGENASE COMPLEX; PYRUVATE HYDROGENASE E3-BINDING PROTEIN DEFICIENCY; E3-Binding Protein (Component X) Deficiency. Identifiers: Orphanet 255182, MedGen C1855553, MONDO:0009503, OMIM 245349.

Allele frequency attached by ClinVar (database versions not stated): gnomAD exomes below 0.00001; TOPMed below 0.00001.
gnomAD v4.1: 5 of 1,613,924 alleles (0.00031%); highest among the groups gnomAD compares: South Asian, 0.0055%; no homozygotes.

Submissions (4):

Ambry Genetics
Classification: Uncertain significance for Inborn genetic diseases. Last evaluated: 2025-07-31. Review status: criteria provided, single submitter. Criteria: Ambry Variant Classification Scheme 2023. Collection method: clinical testing. Allele origin: germline.

Revvity Omics, Revvity
Classification: Uncertain significance for Pyruvate dehydrogenase E3-binding protein deficiency. Last evaluated: 2023-11-01. Review status: criteria provided, single submitter. Criteria: ACMG Guidelines, 2015. Collection method: clinical testing. Allele origin: germline.

Institute of Medical Genetics and Genomics, Sir Ganga Ram Hospital
Classification: Uncertain significance for Pyruvate dehydrogenase E3-binding protein deficiency. Last evaluated: 2023-10-13. Review status: criteria provided, single submitter. Criteria: ACMG Guidelines, 2015. Collection method: clinical testing. Allele origin: germline. Inheritance: Autosomal recessive inheritance. Affected: yes.
Comment: This variant is rare and have an allele frequency of 0.0004% in the gnomAD population database. To our knowledge this variant is not previously reported in literature. MRI: Brain showed increased intensity in the periventricular, subcortical regions and corpus callosum.

GeneDx
Classification: Uncertain significance. Last evaluated: 2013-10-25. Review status: criteria provided, single submitter. Criteria: GeneDx Variant Classification (06012015). Collection method: clinical testing. Allele origin: germline. Affected: yes.
Comment: p.Gly354Asp (GGC>GAC): c.1061 G>A in exon 9 of the PDHX gene (NM_003477.2) A variant of unknown significance has been identified in the PDHX gene. The G354D missense substitution has not been published as a mutation, nor has it been reported as a benign polymorphism to our knowledge. The amino acid change is non-conservative in that a small, uncharged Glycine residue is replaced by a larger, negatively charged Aspartic acid residue. This change occurs at a position in the PDHX protein that is not conserved. Multiple in-silico analysis models predict that G354D is a benign sequence change. Therefore, based on the currently available information, it is unclear whether G354D is a disease-causing mutation or a rare benign variant. The variant is found in MITONUC-MITOP panel(s).

NM_003477.3(PDHX):c.1061G>A (p.Gly354Asp)

Gene: PDHX (pyruvate dehydrogenase complex component X; plus strand). Cytogenetic location: 11p13.
Variant type: single nucleotide variant.
Coding change: c.1061G>A on transcript NM_003477.3 (MANE Select); coding-DNA position 1061, G replaced by A.
Protein change: p.Gly354Asp; replaces glycine 354 with aspartic acid.
Molecular consequence: missense variant.
Genome position (GRCh38, 1-based): chr11:34,984,607, G>A. VCF-style: chr11-34984607-G-A. GRCh37 (hg19) VCF-style: chr11-35006154-G-A.
Other names: p.G354D:GGC>GAC; c.881G>A, p.Gly294Asp (NM_001135024.2); c.380G>A, p.Gly127Asp (NM_001166158.2); short protein forms G354D, G127D, G294D.
Identifiers: ClinVar variation 214965 (VCV000214965.6), dbSNP rs200189510, ClinGen allele CA323495.